The following is an entry in ClinVar:

ClinVar aggregate classification (germline): Likely benign. Review status: criteria provided, multiple submitters, no conflicts (2 of 4 stars). 2 submissions from 2 submitters: Likely benign (2). Last evaluated 2026-01-22.

Conditions:
IKZF2-related condition.

gnomAD v4.1: 4,741 of 1,613,858 alleles (0.29%); highest among the groups gnomAD compares: Non-Finnish European, 0.36%; 7 homozygotes.

Submissions (2):

Women's Health and Genetics/Laboratory Corporation of America, LabCorp
Classification: Likely benign. Last evaluated: 2026-01-22. Review status: criteria provided, single submitter. Criteria: LabCorp Variant Classification Summary - May 2015. Collection method: clinical testing. Allele origin: germline.

PreventionGenetics, part of Exact Sciences
Classification: Likely benign for IKZF2-related condition. Last evaluated: 2025-12-15. Review status: criteria provided, single submitter. Criteria: ACMG Guidelines, 2015. Collection method: clinical testing. Allele origin: germline.
Comment: This variant is classified as likely benign based on ACMG/AMP sequence variant interpretation guidelines (Richards et al. 2015 PMID: 25741868, with internal and published modifications).

NM_001387220.1(IKZF2):c.104A>G (p.Asn35Ser)

Gene: IKZF2 (IKAROS family zinc finger 2; minus strand). Cytogenetic location: 2q34.
Variant type: single nucleotide variant.
Coding change: c.104A>G on transcript NM_001387220.1 (MANE Select); coding-DNA position 104, A replaced by G.
Protein change: p.Asn35Ser; replaces asparagine 35 with serine.
Molecular consequence: missense variant.
Genome position (GRCh38, 1-based): chr2:213,147,743, T>C on the plus strand (A>G on the coding strand, the complement: IKZF2 is on the minus strand). VCF-style: chr2-213147743-T-C. GRCh37 (hg19) VCF-style: chr2-214012467-T-C.
Other names: c.104A>G (NM_016260.2); c.104A>G, p.Asn35Ser (NM_001079526.2, NM_001371274.1, NM_001371275.1 and 3 more transcripts); short protein forms N35S.
Identifiers: ClinVar variation 4689035 (VCV004689035.2).
Genomic context (GRCh38, chr2:213,147,743, plus strand): 5'-AAAAAATCATAAAATGAAGACTTACTGCTTGTCATGTGACTTGGTGAGGCATGCTGTCCA[T>C]TGGGTGTGCTTGAGGTGAGGTCAATTGCCATATTGGAGTGCTCCCTTTCGGGTGAAAGCT-3'
Protein context (NP_001374149.1, residues 25-45): MAIDLTSSTP[Asn35Ser]GQHASPSHMT